The following is an entry in ClinVar:

NM_001873.4(CPE):c.626A>G (p.Asn209Ser)

Gene: CPE (carboxypeptidase E; plus strand). Cytogenetic location: 4q32.3.
Variant type: single nucleotide variant.
Coding change: c.626A>G on transcript NM_001873.4 (MANE Select); coding-DNA position 626, A replaced by G.
Protein change: p.Asn209Ser; replaces asparagine 209 with serine.
Molecular consequence: missense variant.
Genome position (GRCh38, 1-based): chr4:165,467,809, A>G. VCF-style: chr4-165467809-A-G. GRCh37 (hg19) VCF-style: chr4-166388961-A-G.
Other names: short protein forms N209S.
Identifiers: ClinVar variation 4977360 (VCV004977360.1).
Genomic context (GRCh38, chr4:165,467,809, plus strand): 5'-GGAACTTTCCAGACCTGGATAGGATAGTGTACGTGAATGAGAAAGAAGGTGGTCCAAATA[A>G]TCATCTGTTGAAAAATATGAAGAAAATTGTGGATCAAAACACAAAGGTAGTGACCACGGG-3'
Protein context (NP_001864.1, residues 199-219): YVNEKEGGPN[Asn209Ser]HLLKNMKKIV

ClinVar aggregate classification (germline): Uncertain significance (1 of 4 stars; one submission).

Conditions:
CPE-related disorder. Also called: CPE-related condition.

gnomAD v4.1: 2 of 1,613,826 alleles (0.00012%); highest among the groups gnomAD compares: Non-Finnish European, 0.00017%; no homozygotes.

Submission:

PreventionGenetics, part of Exact Sciences
Classification: Uncertain significance for CPE-related condition. Last evaluated: 2025-07-01. Review status: criteria provided, single submitter. Criteria: ACMG Guidelines, 2015. Collection method: clinical testing. Allele origin: germline.
Comment: The CPE c.626A>G variant is predicted to result in the amino acid substitution p.Asn209Ser. This variant has been reported in an individual with obesity (Suppl Table 1. Roberts et al. 2022. PubMed ID: 35562395). This variant has not been reported in a large population database, indicating this variant is rare. At this time, the clinical significance of this variant is uncertain due to the absence of conclusive functional and genetic evidence.